The following is an entry in ClinVar:

ClinVar aggregate classification (germline): Uncertain significance. Review status: criteria provided, multiple submitters, no conflicts (2 of 4 stars). 2 submissions from 2 submitters: Uncertain significance (2). Last evaluated 2022-05-09.

Allele frequency attached by ClinVar (database versions not stated): TOPMed 0.00002.
gnomAD v4.1: 3 of 1,612,252 alleles (0.00019%); highest among the groups gnomAD compares: African/African-American, 0.004%; no homozygotes.

Submissions (2):

Labcorp Genetics (formerly Invitae), Labcorp
Classification: Uncertain significance. Last evaluated: 2022-05-09. Review status: criteria provided, single submitter. Criteria: Invitae Variant Classification Sherloc (09022015). Collection method: clinical testing. Allele origin: germline.
Comment: This sequence change replaces glycine, which is neutral and non-polar, with valine, which is neutral and non-polar, at codon 786 of the MYO18B protein (p.Gly786Val). This variant is not present in population databases (gnomAD no frequency). This variant has not been reported in the literature in individuals affected with MYO18B-related conditions. Algorithms developed to predict the effect of missense changes on protein structure and function are either unavailable or do not agree on the potential impact of this missense change (SIFT: "Not Available"; PolyPhen-2: "Probably Damaging"; Align-GVGD: "Not Available"). In summary, the available evidence is currently insufficient to determine the role of this variant in disease. Therefore, it has been classified as a Variant of Uncertain Significance.

GeneDx
Classification: Uncertain significance. Last evaluated: 2022-03-01. Review status: criteria provided, single submitter. Criteria: GeneDx Variant Classification Process June 2021. Collection method: clinical testing. Allele origin: germline. Affected: yes.
Comment: Not observed at significant frequency in large population cohorts (gnomAD); In silico analysis supports that this missense variant has a deleterious effect on protein structure/function; Has not been previously published as pathogenic or benign to our knowledge

NM_032608.7(MYO18B):c.2357G>T (p.Gly786Val)

Gene: MYO18B (myosin XVIIIB; plus strand). Cytogenetic location: 22q12.1.
Variant type: single nucleotide variant.
Coding change: c.2357G>T on transcript NM_032608.7 (MANE Select); coding-DNA position 2357, G replaced by T.
Protein change: p.Gly786Val; replaces glycine 786 with valine.
Molecular consequence: missense variant.
Genome position (GRCh38, 1-based): chr22:25,785,472, G>T. VCF-style: chr22-25785472-G-T. GRCh37 (hg19) VCF-style: chr22-26181439-G-T.
Other names: c.2357G>T, p.Gly786Val (NM_001318245.2); short protein forms G786V.
Identifiers: ClinVar variation 1703913 (VCV001703913.5), dbSNP rs2087343244, ClinGen allele CA410994637.